The following is an entry in ClinVar:

ClinVar aggregate classification (germline): Uncertain significance. Review status: criteria provided, multiple submitters, no conflicts (2 of 4 stars). 2 submissions from 2 submitters: Uncertain significance (2). Last evaluated 2025-08-11.

gnomAD v4.1: 31 of 1,613,120 alleles (0.0019%); highest among the groups gnomAD compares: Admixed American, 0.0067%; no homozygotes.

Submissions (2):

Labcorp Genetics (formerly Invitae), Labcorp
Classification: Uncertain significance. Last evaluated: 2025-08-11. Review status: criteria provided, single submitter. Criteria: Invitae Variant Classification Sherloc (09022015). Collection method: clinical testing. Allele origin: germline.
Comment: This sequence change replaces leucine, which is neutral and non-polar, with phenylalanine, which is neutral and non-polar, at codon 710 of the IL17RD protein (p.Leu710Phe). This variant is present in population databases (rs757905676, gnomAD 0.003%). This variant has not been reported in the literature in individuals affected with IL17RD-related conditions. An algorithm developed to predict the effect of missense changes on protein structure and function outputs the following: PolyPhen-2: "Benign". The phenylalanine amino acid residue is found in multiple mammalian species, which suggests that this missense change does not adversely affect protein function. In summary, the available evidence is currently insufficient to determine the role of this variant in disease. Therefore, it has been classified as a Variant of Uncertain Significance.

GeneDx
Classification: Uncertain significance. Last evaluated: 2025-07-09. Review status: criteria provided, single submitter. Criteria: GeneDx Variant Classification Process June 2021. Collection method: clinical testing. Allele origin: germline. Affected: yes.
Comment: In silico analysis suggests that this missense variant does not alter protein structure/function; Has not been previously published as pathogenic or benign to our knowledge

NM_017563.5(IL17RD):c.2128C>T (p.Leu710Phe)

Gene: IL17RD (interleukin 17 receptor D; minus strand). Cytogenetic location: 3p14.3.
Variant type: single nucleotide variant.
Coding change: c.2128C>T on transcript NM_017563.5 (MANE Select); coding-DNA position 2128, C replaced by T.
Protein change: p.Leu710Phe; replaces leucine 710 with phenylalanine.
Molecular consequence: missense variant.
Genome position (GRCh38, 1-based): chr3:57,096,485, G>A on the plus strand (C>T on the coding strand, the complement: IL17RD is on the minus strand). VCF-style: chr3-57096485-G-A. GRCh37 (hg19) VCF-style: chr3-57130513-G-A.
Other names: c.1696C>T, p.Leu566Phe (NM_001318864.2); short protein forms L566F, L710F.
Identifiers: ClinVar variation 4685213 (VCV004685213.2).
Genomic context (GRCh38, chr3:57,096,485, plus strand): 5'-TGTAGCTGCGGCAACCAAGATCTGCTTTGCATGACCCAGAAGAGAGGAGCTTGGAAGGAA[G>A]GGCAGGAGGTTCCTCCTCACCTAAGGAGAGAAGAGAGTACAGAGTCACACTGTCATTGCA-3'
Protein context (NP_060033.3, residues 700-720): SGLGEEEPPA[Leu710Phe]PSKLLSSGSC